The following is an entry in ClinVar:

NM_001048174.2(MUTYH):c.253T>C (p.Trp85Arg)

Gene: MUTYH (mutY DNA glycosylase; minus strand). Cytogenetic location: 1p34.1.
Variant type: single nucleotide variant.
Coding change: c.253T>C on transcript NM_001048174.2 (MANE Select); coding-DNA position 253, T replaced by C.
Protein change: p.Trp85Arg; replaces tryptophan 85 with arginine.
Molecular consequence: missense variant. On other transcripts: 5 prime UTR variant (4), non-coding transcript variant (2).
Genome position (GRCh38, 1-based): chr1:45,333,424, A>G on the plus strand (T>C on the coding strand, the complement: MUTYH is on the minus strand). VCF-style: chr1-45333424-A-G. GRCh37 (hg19) VCF-style: chr1-45799096-A-G.
Other names: c.337T>C, p.Trp113Arg (NM_001128425.2); c.298T>C, p.Trp100Arg (NM_001293190.2); c.286T>C, p.Trp96Arg (NM_001293191.2); c.-24T>C (NM_001293192.2, NM_001293196.2); c.253T>C, p.Trp85Arg (NM_001293195.2, NM_001048171.2, NM_001048173.2); c.-19T>C (NM_001350650.2, NM_001350651.2); c.328T>C, p.Trp110Arg (NM_012222.3); c.256T>C, p.Trp86Arg (NM_001048172.2); short protein forms W113R, W85R, W96R, W100R, W86R, W110R.
Identifiers: ClinVar variation 533303 (VCV000533303.19), dbSNP rs776719541, ClinGen allele CA340136353.

ClinVar aggregate classification (germline): Conflicting classifications of pathogenicity. Review status: criteria provided, conflicting classifications (1 of 4 stars). 5 submissions from 5 submitters: Pathogenic (1); Likely pathogenic (2); Uncertain significance (2). Last evaluated 2026-07-15.

Conditions:
Familial adenomatous polyposis 2. Also called: MYH-associated polyposis; Adenomas, multiple colorectal; MUTYH-associated polyposis; MUTYH Polyposis; COLORECTAL ADENOMATOUS POLYPOSIS, AUTOSOMAL RECESSIVE; ADENOMAS, MULTIPLE COLORECTAL, AUTOSOMAL RECESSIVE. Identifiers: Orphanet 220460, Orphanet 247798, MedGen C3272841, MONDO:0012041, OMIM 608456.
Hereditary cancer-predisposing syndrome. Also called: Tumor predisposition; Neoplastic Syndromes, Hereditary; Hereditary Cancer Syndrome; Hereditary neoplastic syndrome. Identifiers: Orphanet 140162, MedGen C0027672, MeSH D009386, MONDO:0015356.

Allele frequency attached by ClinVar (database versions not stated): gnomAD exomes below 0.00001; TOPMed 0.00001.
gnomAD v4.1: 3 of 1,613,986 alleles (0.00019%); highest among the groups gnomAD compares: Non-Finnish European, 0.00025%; no homozygotes.

Submissions (5):

Myriad Genetics, Inc.
Classification: Likely pathogenic for Familial adenomatous polyposis 2. Last evaluated: 2026-07-15. Review status: criteria provided, single submitter. Criteria: Myriad Autosomal Dominant, Autosomal Recessive and X-Linked Classification Criteria (2023). Collection method: clinical testing. Allele origin: unknown.
Comment: This variant is considered likely pathogenic. This variant has been reported in multiple individuals with clinical features of gene-specific disease [PMID_28644590]. Functional studies indicate this variant impacts protein function [PMID: 40738107]. This variant is expected to disrupt protein structure [Myriad internal data].

Clinical and Functional Genomics Group, A.C.Camargo Cancer Center
Classification: Pathogenic for Familial adenomatous polyposis 2. Last evaluated: 2026-06-08. Review status: criteria provided, single submitter. Criteria: CFGG ACC Assertion Criteria V1. Collection method: research. Allele origin: germline. Affected: yes.
Comment: The c.337T>C (p.Trp113Arg) variant in the MUTYH gene results in a missense substitution. This variant is absent from population databases (gnomAD and ABraOM) and is predicted to have a deleterious effect in silico (REVEL score: 0.82). It has been previously reported in compound heterozygosity and homozygosity in several individuals with colorectal cancer and/or polyposis and segregates with disease in affected family members (PMID: 28644590, 42164324). The variant is also reported in ClinVar (VCV000533303.17). Somatic analysis of an adenoma and an adenocarcinoma from an affected individual revealed the presence of KRAS p.Gly12Cys and PIK3CA p.Gln546Lys variants, a molecular profile consistent with MUTYH-associated polyposis (PMID: 42164324). Functional analysis using a saturation mutagenesis 8OG:A DNA repair reporter assay demonstrated that the variant results scores within the loss of function variants range (PMID: 40738107). Based on the available evidence, this variant has been classified as pathogenic (PS3, PM2_Supporting, PM3_Supporting, PP1_Strong, PP3_Moderate, and PP4).

Ambry Genetics
Classification: Likely pathogenic for Hereditary cancer-predisposing syndrome. Last evaluated: 2025-08-15. Review status: criteria provided, single submitter. Criteria: Ambry Variant Classification Scheme 2023. Collection method: clinical testing. Allele origin: germline.
Comment: The p.W113R variant (also known as c.337T>C), located in coding exon 3 of the MUTYH gene, results from a T to C substitution at nucleotide position 337. The tryptophan at codon 113 is replaced by arginine, an amino acid with dissimilar properties. In one study, this alteration was detected in conjunction with MUTYH p.Y179C alteration in two individuals reported to have polyposis (McVeigh TP et al. Ir Med J, 2016 Dec;109:485). In a massively parallel cell-based functional assay testing 7,8-dihydro-8-oxoguanine:adenine (8OG:A) repair activity, a byproduct of oxidative damage, this variant was reported to be non-functional (Hemker SL et al. Am J Hum Genet. Published online July 29, 2025. DOI: 10.1016/j.ajhg.2025.07.005). This amino acid position is highly conserved in available vertebrate species. In addition, this alteration is predicted to be deleterious by in silico analysis. This variant is considered to be rare based on population cohorts in the Genome Aggregation Database (gnomAD). Based on the majority of available evidence to date, this variant is likely to be pathogenic.

Labcorp Genetics (formerly Invitae), Labcorp
Classification: Uncertain significance for Familial adenomatous polyposis 2. Last evaluated: 2024-05-22. Review status: criteria provided, single submitter. Criteria: Invitae Variant Classification Sherloc (09022015). Collection method: clinical testing. Allele origin: germline.
Comment: This sequence change replaces tryptophan, which is neutral and slightly polar, with arginine, which is basic and polar, at codon 113 of the MUTYH protein (p.Trp113Arg). This variant is not present in population databases (gnomAD no frequency). This missense change has been observed in individual(s) with colorectal cancer and/or polyps who also carried another pathogenic variant in MUTYH (PMID: 28644590). ClinVar contains an entry for this variant (Variation ID: 533303). An algorithm developed to predict the effect of missense changes on protein structure and function (PolyPhen-2) suggests that this variant is likely to be disruptive. In summary, the available evidence is currently insufficient to determine the role of this variant in disease. Therefore, it has been classified as a Variant of Uncertain Significance.

Color Diagnostics, LLC DBA Color Health
Classification: Uncertain significance for Hereditary cancer-predisposing syndrome. Last evaluated: 2023-09-25. Review status: criteria provided, single submitter. Criteria: ACMG Guidelines, 2015. Collection method: clinical testing. Allele origin: germline.
Comment: This missense variant replaces tryptophan with arginine at codon 113 of the MUTYH protein. Computational prediction suggests that this variant may have deleterious impact on protein structure and function (internally defined REVEL score threshold >= 0.7, PMID: 27666373). To our knowledge, functional studies have not been reported for this variant. This variant has been reported to co-occur with the pathogenic variant c.536A>G (p.Tyr179Cys) in 2 related individuals, one affected with early onset rectal cancer and the other with multiple polyps (PMID: 28644590). This variant has not been identified in the general population by the Genome Aggregation Database (gnomAD). The available evidence is insufficient to determine the role of this variant in disease conclusively. Therefore, this variant is classified as a Variant of Uncertain Significance.

Literature cited by the submitters: PubMed 28644590 (cited by 4 submitters); PubMed 40738107 (cited by Myriad Genetics, Inc. and Ambry Genetics); PubMed 42164324 (cited by Clinical and Functional Genomics Group, A.C.Camargo Cancer Center).